The following is an entry in ClinVar:

NM_001048174.2(MUTYH):c.1493A>T (p.Gln498Leu)

Gene: MUTYH (mutY DNA glycosylase; minus strand). Cytogenetic location: 1p34.1.
Variant type: single nucleotide variant.
Coding change: c.1493A>T on transcript NM_001048174.2 (MANE Select); coding-DNA position 1493, A replaced by T.
Protein change: p.Gln498Leu; replaces glutamine 498 with leucine.
Molecular consequence: missense variant. On other transcripts: non-coding transcript variant (7).
Genome position (GRCh38, 1-based): chr1:45,329,379, T>A on the plus strand (A>T on the coding strand, the complement: MUTYH is on the minus strand). VCF-style: chr1-45329379-T-A. GRCh37 (hg19) VCF-style: chr1-45795051-T-A.
Other names: c.1493A>T, p.Gln498Leu (NM_001048171.2, NM_001048173.2, NM_001293195.2 and 6 more transcripts); c.1496A>T, p.Gln499Leu (NM_001048172.2, NM_001407071.1, NM_001407078.1 and 1 more transcripts); c.1577A>T, p.Gln526Leu (NM_001128425.2); c.1538A>T, p.Gln513Leu (NM_001293190.2); c.1526A>T, p.Gln509Leu (NM_001293191.2, NM_001407069.1, NM_001407077.1); c.1217A>T, p.Gln406Leu (NM_001293192.2, NM_001293196.2, NM_001407091.1); c.1148A>T, p.Gln383Leu (NM_001350650.2, NM_001350651.2, NM_001407082.1); c.1409A>T, p.Gln470Leu (NM_001407075.1); and 5 more; short protein forms Q470L, Q484L, Q512L, Q383L, Q406L, Q498L, Q505L, Q509L.
Identifiers: ClinVar variation 4113388 (VCV004113388.1).

ClinVar aggregate classification (germline): Uncertain significance (1 of 4 stars; one submission).

Conditions:
Hereditary cancer-predisposing syndrome. Also called: Tumor predisposition; Neoplastic Syndromes, Hereditary; Hereditary neoplastic syndrome; Hereditary Cancer Syndrome. Identifiers: Orphanet 140162, MedGen C0027672, MeSH D009386, MONDO:0015356.

Submission:

Ambry Genetics
Classification: Uncertain significance for Hereditary cancer-predisposing syndrome. Last evaluated: 2025-08-27. Review status: criteria provided, single submitter. Criteria: Ambry Variant Classification Scheme 2023. Collection method: clinical testing. Allele origin: germline.
Comment: The p.Q526L variant (also known as c.1577A>T), located in coding exon 16 of the MUTYH gene, results from an A to T substitution at nucleotide position 1577. The glutamine at codon 526 is replaced by leucine, an amino acid with dissimilar properties. This amino acid position is conserved. In addition, the in silico prediction for this alteration is inconclusive. Based on the available evidence, the clinical significance of this variant remains unclear.